The following is an entry in ClinVar:

NM_138386.3(NAF1):c.388A>G (p.Ser130Gly)

Gene: NAF1 (nuclear assembly factor 1 ribonucleoprotein; minus strand). Cytogenetic location: 4q32.2.
Variant type: single nucleotide variant.
Coding change: c.388A>G on transcript NM_138386.3 (MANE Select); coding-DNA position 388, A replaced by G.
Protein change: p.Ser130Gly; replaces serine 130 with glycine.
Molecular consequence: missense variant.
Genome position (GRCh38, 1-based): chr4:163,164,369, T>C on the plus strand (A>G on the coding strand, the complement: NAF1 is on the minus strand). VCF-style: chr4-163164369-T-C. GRCh37 (hg19) VCF-style: chr4-164085521-T-C.
Other names: c.388A>G, p.Ser130Gly (NM_001128931.2); short protein forms S130G.
Identifiers: ClinVar variation 2787102 (VCV002787102.3), dbSNP rs759111760, ClinGen allele CA3126372.
Genomic context (GRCh38, chr4:163,164,369, plus strand): 5'-GAAGTGATATACAAGAGGAAGAAGACGACGATGAGGAAGATGAAGAGGAAGACGATGAAC[T>C]TGAACTATCTGAATCTGTTTCACTGTAGGGAAGAAAACAGTTAAAAAAATAGTCCAGTAT-3'
Protein context (NP_612395.2, residues 120-140): SDSETDSDSS[Ser130Gly]SSSSSSSSSS

ClinVar aggregate classification (germline): Uncertain significance (1 of 4 stars; one submission).

Allele frequency attached by ClinVar (database versions not stated): gnomAD exomes below 0.00001; ExAC 0.00001.
gnomAD v4.1: 1 of 1,584,720 alleles (0.000063%); highest among the groups gnomAD compares: Admixed American, 0.0018%; no homozygotes.

Submission:

Labcorp Genetics (formerly Invitae), Labcorp
Classification: Uncertain significance. Last evaluated: 2022-12-18. Review status: criteria provided, single submitter. Criteria: Invitae Variant Classification Sherloc (09022015). Collection method: clinical testing. Allele origin: germline.
Comment: This sequence change replaces serine, which is neutral and polar, with glycine, which is neutral and non-polar, at codon 130 of the NAF1 protein (p.Ser130Gly). This variant is present in population databases (rs759111760, gnomAD 0.003%). This variant has not been reported in the literature in individuals affected with NAF1-related conditions. Algorithms developed to predict the effect of missense changes on protein structure and function are either unavailable or do not agree on the potential impact of this missense change (SIFT: "Tolerated"; PolyPhen-2: "Possibly Damaging"; Align-GVGD: "Class C0"). In summary, the available evidence is currently insufficient to determine the role of this variant in disease. Therefore, it has been classified as a Variant of Uncertain Significance.